The following is an entry in ClinVar:

ClinVar aggregate classification (germline): Benign. Review status: criteria provided, single submitter (1 of 4 stars). 2 submissions from 2 submitters: Benign (1). 1 of the submissions does not count toward it. Last evaluated 2025-10-21.

Conditions:
SUN1-related disorder. Also called: SUN1-related condition.
Emery-Dreifuss muscular dystrophy (EDMD). Also called: Scapuloperoneal syndrome, X-linked (formerly); Humeroperoneal neuromuscular disease, (formerly). Identifiers: Orphanet 261, MedGen C0410189, MONDO:0016830.

Allele frequency attached by ClinVar (database versions not stated): gnomAD 0.00001 and 0.00004; TOPMed 0.00002; gnomAD exomes 0.00018 and 0.00035; ExAC 0.00038.
gnomAD v4.1: 261 of 1,613,440 alleles (0.016%); highest among the groups gnomAD compares: South Asian, 0.27%; 4 homozygotes.

Submissions (2):

Labcorp Genetics (formerly Invitae), Labcorp
Classification: Benign for Emery-Dreifuss muscular dystrophy. Last evaluated: 2025-10-21. Review status: criteria provided, single submitter. Criteria: Invitae Variant Classification Sherloc (09022015). Collection method: clinical testing. Allele origin: germline.

PreventionGenetics, part of Exact Sciences
Classification: Likely benign for SUN1-related condition. Last evaluated: 2019-06-19. Review status: no assertion criteria provided. Collection method: clinical testing. Allele origin: germline. Not counted in ClinVar's aggregate classification.
Comment: This variant is classified as likely benign based on ACMG/AMP sequence variant interpretation guidelines (Richards et al. 2015 PMID: 25741868, with internal and published modifications).

NM_001130965.3(SUN1):c.758-9C>A

Gene: SUN1 (Sad1 and UNC84 domain containing 1; plus strand). Cytogenetic location: 7p22.3.
Variant type: single nucleotide variant.
Coding change: c.758-9C>A on transcript NM_001130965.3 (MANE Select); 9 bases into the intron before coding-DNA position 758, C replaced by A.
Molecular consequence: intron variant.
Genome position (GRCh38, 1-based): chr7:851,941, C>A. VCF-style: chr7-851941-C-A. GRCh37 (hg19) VCF-style: chr7-891578-C-A.
Other names: c.758-9C>A (NM_001367634.1, NM_001367633.1, NM_001367653.1 and 3 more transcripts); c.1172-9C>A (NM_001367651.1); c.785-9C>A (NM_001367669.1); c.1151-9C>A (NM_001367705.1, NM_001367703.1, NM_001367678.1 and 2 more transcripts); c.1052-9C>A (NM_001367690.1); c.1040-9C>A (NM_001367641.1, NM_001367682.1, NM_001367698.1); c.941-9C>A (NM_001367676.1, NM_001367675.1, NM_001367640.1); c.1067-9C>A (NM_001367692.1, NM_001367677.1); and 24 more.
Identifiers: ClinVar variation 461667 (VCV000461667.13), dbSNP rs776447528, ClinGen allele CA4111918.
Genomic context (GRCh38, chr7:851,941, plus strand): 5'-AATGGTCCATTTAGGAGCTTGGTTTTCCTAAAAACATTTCCTTAGAATGTTTGGTGTTTT[C>A]TCTTGTAGGGAAGGCAGCCTCTGGAGTGTTCTGGTGGCTGGGGATTGGATGGTACCAGTT-3'